The following is an entry in ClinVar:

NM_178526.5(SLC25A42):c.163del (p.Asp55fs)

Gene: SLC25A42 (solute carrier family 25 member 42; plus strand). Cytogenetic location: 19p13.11.
Variant type: Deletion.
Coding change: c.163del on transcript NM_178526.5 (MANE Select); coding-DNA position 163, one base deleted (G; older notation c.163delG).
Protein change: p.Asp55fs; shifts the reading frame from aspartic acid 55.
Molecular consequence: frameshift variant.
Genome position (GRCh38, 1-based): chr19:19,101,862, G deleted; the last of 2 consecutive G bases (chr19:19,101,861-19,101,862); deleting either gives the same sequence. VCF-style (leftmost placement, unchanged base first): chr19-19101860-TG-T. GRCh37 (hg19) VCF-style: chr19-19212669-TG-T.
Other names: c.163del, p.Asp55fs (NM_001321544.2); short protein forms D55fs.
Identifiers: ClinVar variation 3573622 (VCV003573622.1).

ClinVar aggregate classification (germline): Uncertain significance (1 of 4 stars; one submission).

Submission:

GeneDx
Classification: Uncertain significance. Last evaluated: 2024-07-10. Review status: criteria provided, single submitter. Criteria: GeneDx Variant Classification Process June 2021. Collection method: clinical testing. Allele origin: germline. Affected: yes.
Comment: Frameshift variant predicted to result in protein truncation or nonsense mediated decay in a gene for which loss-of-function is not an established mechanism of disease; Not observed at significant frequency in large population cohorts (gnomAD); Has not been previously published as pathogenic or benign to our knowledge